The following is an entry in ClinVar:

ClinVar aggregate classification (germline): Conflicting classifications of pathogenicity. Review status: criteria provided, conflicting classifications (1 of 4 stars). 3 submissions from 3 submitters: Uncertain significance (1); Likely benign (2). Last evaluated 2025-03-17.

Conditions:
Hereditary cancer-predisposing syndrome. Also called: Tumor predisposition; Hereditary Cancer Syndrome; Hereditary neoplastic syndrome; Neoplastic Syndromes, Hereditary. Identifiers: Orphanet 140162, MedGen C0027672, MeSH D009386, MONDO:0015356.
Pheochromocytoma/paraganglioma syndrome 1. Also called: PARAGANGLIOMATA; Paraganglioma - glomus jugulare; SDHD-Related Hereditary Paraganglioma-Pheochromocytoma Syndrome; PARAGANGLIOMAS, FAMILIAL NONCHROMAFFIN, 1; PGL 1; Paragangliomas 1. Identifiers: Orphanet 29072, MedGen C3494181, MONDO:0008192, OMIM 168000.
Carney-Stratakis syndrome. Also called: PARAGANGLIOMA AND GASTROINTESTINAL STROMAL TUMOR. Identifiers: Orphanet 97286, MedGen C1847319, MONDO:0011740, OMIM 606864.
Pheochromocytoma. Also called: MAX-Related Hereditary Paraganglioma-Pheochromocytoma Syndrome. Identifiers: Orphanet 29072, MedGen C0031511, MONDO:0008233, OMIM 171300, HP:0002666.
Paragangliomas with sensorineural hearing loss. Identifiers: MedGen C1868633.
Cowden syndrome 3 (CWS3). Identifiers: Orphanet 201, MedGen CN166604, MONDO:0014045.

Submissions (3):

Myriad Genetics, Inc.
Classification: Likely benign for Pheochromocytoma/paraganglioma syndrome 1. Last evaluated: 2025-03-17. Review status: criteria provided, single submitter. Criteria: Myriad Autosomal Dominant, Autosomal Recessive and X-Linked Classification Criteria (2023). Collection method: clinical testing. Allele origin: unknown.
Comment: This variant is considered likely benign. This variant is intronic and is not expected to impact mRNA splicing.

Labcorp Genetics (formerly Invitae), Labcorp
Classification: Likely benign for Carney-Stratakis syndrome; Paragangliomas with sensorineural hearing loss; Pheochromocytoma; Cowden syndrome 3. Last evaluated: 2021-07-26. Review status: criteria provided, single submitter. Criteria: Invitae Variant Classification Sherloc (09022015). Collection method: clinical testing. Allele origin: germline.

Ambry Genetics
Classification: Uncertain significance for Hereditary cancer-predisposing syndrome. Last evaluated: 2015-10-03. Review status: criteria provided, single submitter. Criteria: Ambry Variant Classification Scheme 2023. Collection method: clinical testing. Allele origin: germline.
Comment: The c.170-20G>T intronic alteration consists of a G to T substitution 20 nucleotides before coding exon 3 in the SDHD gene. Based on insufficient or conflicting evidence, the clinical significance of this alteration remains unclear.

NM_003002.4(SDHD):c.170-20G>T

Gene: SDHD (succinate dehydrogenase complex subunit D; plus strand). Cytogenetic location: 11q23.1.
Variant type: single nucleotide variant.
Coding change: c.170-20G>T on transcript NM_003002.4 (MANE Select); 20 bases into the intron before coding-DNA position 170, G replaced by T.
Molecular consequence: intron variant.
Genome position (GRCh38, 1-based): chr11:112,088,847, G>T. VCF-style: chr11-112088847-G-T. GRCh37 (hg19) VCF-style: chr11-111959571-G-T.
Other names: c.170-20G>T (NM_001276506.2, NM_003002.2); c.169+874G>T (NM_001276503.2); c.53-20G>T (NM_001276504.2).
Identifiers: ClinVar variation 1534062 (VCV001534062.10), dbSNP rs2135269091, ClinGen allele CA2573146856.